The following is an entry in ClinVar:

NM_001040142.2(SCN2A):c.4822+5G>A

Gene: SCN2A (sodium voltage-gated channel alpha subunit 2; plus strand). Cytogenetic location: 2q24.3.
Variant type: single nucleotide variant.
Coding change: c.4822+5G>A on transcript NM_001040142.2 (MANE Select); 5 bases into the intron after coding-DNA position 4822, G replaced by A.
Molecular consequence: intron variant.
Genome position (GRCh38, 1-based): chr2:165,387,021, G>A. VCF-style: chr2-165387021-G-A. GRCh37 (hg19) VCF-style: chr2-166243531-G-A.
Other names: c.4822+5G>A (NM_001040143.2, NM_001371246.1, NM_001371247.1 and 1 more transcripts).
Identifiers: ClinVar variation 2931677 (VCV002931677.3), dbSNP rs779081312, ClinGen allele CA1940321.

ClinVar aggregate classification (germline): Uncertain significance (1 of 4 stars; one submission).

Conditions:
Seizures, benign familial infantile, 3 (BFIS3). Also called: CONVULSIONS, BENIGN FAMILIAL INFANTILE, 3; Familial neonatal seizures. Identifiers: Orphanet 140927, Orphanet 306, MedGen C1843140, MONDO:0011904, OMIM 607745.
Developmental and epileptic encephalopathy, 11 (DEE11). Also called: Early infantile epileptic encephalopathy 11. Identifiers: Orphanet 1934, MedGen C3150987, MONDO:0013388, OMIM 613721.

Allele frequency attached by ClinVar (database versions not stated): gnomAD exomes below 0.00001; ExAC 0.00001; gnomAD 0.00001.
gnomAD v4.1: 3 of 1,613,104 alleles (0.00019%); highest among the groups gnomAD compares: Admixed American, 0.0017%; no homozygotes.

Submission:

Labcorp Genetics (formerly Invitae), Labcorp
Classification: Uncertain significance for Seizures, benign familial infantile, 3; Developmental and epileptic encephalopathy, 11. Last evaluated: 2024-01-04. Review status: criteria provided, single submitter. Criteria: Invitae Variant Classification Sherloc (09022015). Collection method: clinical testing. Allele origin: germline.
Comment: This sequence change falls in intron 26 of the SCN2A gene. It does not directly change the encoded amino acid sequence of the SCN2A protein. It affects a nucleotide within the consensus splice site. This variant is present in population databases (rs779081312, gnomAD 0.003%). This variant has not been reported in the literature in individuals affected with SCN2A-related conditions. Variants that disrupt the consensus splice site are a relatively common cause of aberrant splicing (PMID: 17576681, 9536098). Algorithms developed to predict the effect of sequence changes on RNA splicing suggest that this variant may disrupt the consensus splice site. In summary, the available evidence is currently insufficient to determine the role of this variant in disease. Therefore, it has been classified as a Variant of Uncertain Significance.

Literature cited by the submitters: PubMed 17576681; PubMed 9536098.